The following is an entry in ClinVar:

ClinVar aggregate classification (germline): Uncertain significance (1 of 4 stars; one submission).

Submission:

Labcorp Genetics (formerly Invitae), Labcorp
Classification: Uncertain significance. Last evaluated: 2023-09-23. Review status: criteria provided, single submitter. Criteria: Invitae Variant Classification Sherloc (09022015). Collection method: clinical testing. Allele origin: germline.
Comment: In summary, the available evidence is currently insufficient to determine the role of this variant in disease. Therefore, it has been classified as a Variant of Uncertain Significance. Algorithms developed to predict the effect of sequence changes on RNA splicing suggest that this variant may disrupt the consensus splice site. This variant has not been reported in the literature in individuals affected with SULF1-related conditions. This variant is not present in population databases (gnomAD no frequency). This sequence change creates a premature translational stop signal (p.Glu443*) in the SULF1 gene. It is expected to result in an absent or disrupted protein product. However, the current clinical and genetic evidence is not sufficient to establish whether loss-of-function variants in SULF1 cause disease.

NM_001128205.2(SULF1):c.1327G>T (p.Glu443Ter)

Gene: SULF1 (sulfatase 1; plus strand). Cytogenetic location: 8q13.3.
Variant type: single nucleotide variant.
Coding change: c.1327G>T on transcript NM_001128205.2 (MANE Select); coding-DNA position 1327, G replaced by T.
Protein change: p.Glu443Ter; replaces glutamic acid 443 with a stop codon.
Molecular consequence: nonsense. On other transcripts: 5 prime UTR variant (1), non-coding transcript variant (7).
Genome position (GRCh38, 1-based): chr8:69,604,882, G>T. VCF-style: chr8-69604882-G-T. GRCh37 (hg19) VCF-style: chr8-70517117-G-T.
Other names: c.1327G>T, p.Glu443Ter (NM_001128204.2, NM_001128206.2, NM_001412828.1 and 10 more transcripts); c.1198G>T, p.Glu400Ter (NM_001412832.1, NM_001412838.1, NM_001412839.1 and 1 more transcripts); c.1270G>T, p.Glu424Ter (NM_001412836.1, NM_001412837.1); c.1141G>T, p.Glu381Ter (NM_001412841.1, NM_001412842.1); c.727G>T, p.Glu243Ter (NM_001412844.1, NM_001412845.1); c.-465G>T (NM_001412846.1); short protein forms E400*, E243*, E424*, E381*, E443*.
Identifiers: ClinVar variation 3011876 (VCV003011876.3), dbSNP rs2537229023, ClinGen allele CA371227411.